The following is an entry in ClinVar:

ClinVar aggregate classification (germline): Uncertain significance. Review status: criteria provided, multiple submitters, no conflicts (2 of 4 stars). 3 submissions from 3 submitters: Uncertain significance (3). Last evaluated 2023-09-08.

Conditions:
ADSS1-related disorder. Also called: ADSS1-related condition.
Inborn genetic diseases. Identifiers: MedGen C0950123, MeSH D030342.

Allele frequency attached by ClinVar (database versions not stated): gnomAD 0.00001; ExAC 0.00002; gnomAD exomes 0.00003; TOPMed 0.00003.
gnomAD v4.1: 42 of 1,613,290 alleles (0.0026%); highest among the groups gnomAD compares: Admixed American, 0.0083%; no homozygotes.

Submissions (3):

Labcorp Genetics (formerly Invitae), Labcorp
Classification: Uncertain significance. Last evaluated: 2023-09-08. Review status: criteria provided, single submitter. Criteria: Invitae Variant Classification Sherloc (09022015). Collection method: clinical testing. Allele origin: germline.
Comment: This variant has not been reported in the literature in individuals affected with ADSSL1-related conditions. This variant is present in population databases (rs764479024, gnomAD 0.009%). This sequence change replaces isoleucine, which is neutral and non-polar, with threonine, which is neutral and polar, at codon 334 of the ADSSL1 protein (p.Ile334Thr). ClinVar contains an entry for this variant (Variation ID: 1899381). In summary, the available evidence is currently insufficient to determine the role of this variant in disease. Therefore, it has been classified as a Variant of Uncertain Significance. An algorithm developed to predict the effect of missense changes on protein structure and function (PolyPhen-2) suggests that this variant is likely to be disruptive.

PreventionGenetics, part of Exact Sciences
Classification: Uncertain significance for ADSS1-related condition. Last evaluated: 2023-07-12. Review status: criteria provided, single submitter. Criteria: ACMG Guidelines, 2015. Collection method: clinical testing. Allele origin: germline.
Comment: The ADSS1 c.1001T>C variant is predicted to result in the amino acid substitution p.Ile334Thr. To our knowledge, this variant has not been reported in the literature. This variant is reported in 0.0087% of alleles in individuals of Latino descent in gnomAD. At this time, the clinical significance of this variant is uncertain due to the absence of conclusive functional and genetic evidence.

Ambry Genetics
Classification: Uncertain significance for Inborn genetic diseases. Last evaluated: 2023-05-26. Review status: criteria provided, single submitter. Criteria: Ambry Variant Classification Scheme 2023. Collection method: clinical testing. Allele origin: germline.

NM_152328.5(ADSS1):c.872T>C (p.Ile291Thr)

Gene: ADSS1 (adenylosuccinate synthase 1; plus strand). Cytogenetic location: 14q32.33.
Variant type: single nucleotide variant.
Coding change: c.872T>C on transcript NM_152328.5 (MANE Select); coding-DNA position 872, T replaced by C.
Protein change: p.Ile291Thr; replaces isoleucine 291 with threonine.
Molecular consequence: missense variant.
Genome position (GRCh38, 1-based): chr14:104,741,926, T>C. VCF-style: chr14-104741926-T-C. GRCh37 (hg19) VCF-style: chr14-105208263-T-C.
Other names: c.1001T>C (NM_199165.1); c.257T>C, p.Ile86Thr (NM_001320424.1); c.1001T>C, p.Ile334Thr (NM_199165.2); short protein forms I291T, I334T, I86T.
Identifiers: ClinVar variation 1899381 (VCV001899381.8), dbSNP rs764479024, ClinGen allele CA7373907.
Genomic context (GRCh38, chr14:104,741,926, plus strand): 5'-CTTCATCCAACTGCACCGTGGGCGGTGTGTGCACGGGCCTGGGCATCCCCCCGCAGAACA[T>C]AGGTGACGTGTATGGCGTGGTGAAAGCCTATACCACACGTGTGGGCATCGGGGCCTTCCC-3'
Protein context (NP_689541.1, residues 281-301): CTGLGIPPQN[Ile291Thr]GDVYGVVKAY